The following is an entry in ClinVar:

NM_130811.4(SNAP25):c.496G>T (p.Asp166Tyr)

Gene: SNAP25 (synaptosome associated protein 25; plus strand). Cytogenetic location: 20p12.2.
Variant type: single nucleotide variant.
Coding change: c.496G>T on transcript NM_130811.4 (MANE Select); coding-DNA position 496, G replaced by T.
Protein change: p.Asp166Tyr; replaces aspartic acid 166 with tyrosine.
Molecular consequence: missense variant.
Genome position (GRCh38, 1-based): chr20:10,299,356, G>T. VCF-style: chr20-10299356-G-T. GRCh37 (hg19) VCF-style: chr20-10280004-G-T.
Other names: c.496G>T, p.Asp166Tyr (NM_001322902.2, NM_001322903.2, NM_001322904.2 and 7 more transcripts); short protein forms D166Y.
Identifiers: ClinVar variation 1285522 (VCV001285522.3), dbSNP rs2123159234, ClinGen allele CA408266646.

ClinVar aggregate classification (germline): Likely pathogenic. Review status: criteria provided, single submitter (1 of 4 stars). 2 submissions from 2 submitters: Likely pathogenic (1). 1 of the submissions does not count toward it. Last evaluated 2020-07-15.

Conditions:
Developmental and epileptic encephalopathy. Identifiers: MedGen C5779964, MONDO:0100620.
Congenital myasthenic syndrome 18. Also called: MYASTHENIC SYNDROME, CONGENITAL, 18, WITH INTELLECTUAL DISABILITY AND ATAXIA. Identifiers: Orphanet 590, MedGen C4225364, MONDO:0014590, OMIM 616330.

Submissions (2):

Institute of Human Genetics, University of Leipzig Medical Center
Classification: Likely pathogenic for Early-infantile DEE. Last evaluated: 2020-07-15. Review status: criteria provided, single submitter. Criteria: ACMG Guidelines, 2015. Collection method: clinical testing. Allele origin: de novo. Affected: yes.
Comment: This variant was identified as de novo (maternity and paternity confirmed).

OMIM
Classification: Pathogenic for DEVELOPMENTAL AND EPILEPTIC ENCEPHALOPATHY 117. Last evaluated: 2025-05-21. Review status: no assertion criteria provided. Collection method: literature only. Allele origin: germline. Not counted in ClinVar's aggregate classification.

Literature cited by the submitters: PubMed 33299146 (cited by Institute of Human Genetics, University of Leipzig Medical Center and OMIM); PubMed 29100083 (cited by OMIM).